The following is an entry in ClinVar:

NM_001868.4(CPA1):c.483+4A>G

Gene: CPA1 (carboxypeptidase A1; plus strand). Cytogenetic location: 7q32.2.
Variant type: single nucleotide variant.
Coding change: c.483+4A>G on transcript NM_001868.4 (MANE Select); 4 bases into the intron after coding-DNA position 483, A replaced by G.
Molecular consequence: intron variant.
Genome position (GRCh38, 1-based): chr7:130,382,213, A>G. VCF-style: chr7-130382213-A-G. GRCh37 (hg19) VCF-style: chr7-130022054-A-G.
Identifiers: ClinVar variation 1017246 (VCV001017246.6), dbSNP rs782614316, ClinGen allele CA4484804.

ClinVar aggregate classification (germline): Uncertain significance (1 of 4 stars; one submission).

Allele frequency attached by ClinVar (database versions not stated): gnomAD exomes below 0.00001; ExAC 0.00001.
gnomAD v4.1: 1 of 1,611,106 alleles (0.000062%); highest among the groups gnomAD compares: South Asian, 0.0011%; no homozygotes.

Submission:

Labcorp Genetics (formerly Invitae), Labcorp
Classification: Uncertain significance. Last evaluated: 2022-08-23. Review status: criteria provided, single submitter. Criteria: Invitae Variant Classification Sherloc (09022015). Collection method: clinical testing. Allele origin: germline.
Comment: In summary, the available evidence is currently insufficient to determine the role of this variant in disease. Therefore, it has been classified as a Variant of Uncertain Significance. Variants that disrupt the consensus splice site are a relatively common cause of aberrant splicing (PMID: 17576681, 9536098). Algorithms developed to predict the effect of sequence changes on RNA splicing suggest that this variant may create or strengthen a splice site. ClinVar contains an entry for this variant (Variation ID: 1017246). This variant has not been reported in the literature in individuals affected with CPA1-related conditions. This variant is present in population databases (rs782614316, gnomAD 0.003%). This sequence change falls in intron 4 of the CPA1 gene. It does not directly change the encoded amino acid sequence of the CPA1 protein. It affects a nucleotide within the consensus splice site.

Literature cited by the submitters: PubMed 17576681; PubMed 9536098.